The following is an entry in ClinVar:

ClinVar aggregate classification (germline): Uncertain significance. Review status: criteria provided, multiple submitters, no conflicts (2 of 4 stars). 2 submissions from 2 submitters: Uncertain significance (2). Last evaluated 2022-03-14.

Conditions:
Hereditary cancer-predisposing syndrome. Also called: Tumor predisposition; Hereditary neoplastic syndrome; Neoplastic Syndromes, Hereditary; Hereditary Cancer Syndrome. Identifiers: Orphanet 140162, MedGen C0027672, MeSH D009386, MONDO:0015356.
Ataxia-telangiectasia syndrome (AT). Also called: Cerebello-oculocutaneous telangiectasia; Immunodeficiency with ataxia telangiectasia; AT, COMPLEMENTATION GROUP C; ATAXIA-TELANGIECTASIA, COMPLEMENTATION GROUP A; ATAXIA-TELANGIECTASIA, FRESNO VARIANT; LOUIS-BAR SYNDROME. Identifiers: Orphanet 100, MedGen C0004135, MONDO:0008840, OMIM 208900.

Submissions (2):

Labcorp Genetics (formerly Invitae), Labcorp
Classification: Uncertain significance for Ataxia-telangiectasia syndrome. Last evaluated: 2022-03-14. Review status: criteria provided, single submitter. Criteria: Invitae Variant Classification Sherloc (09022015). Collection method: clinical testing. Allele origin: germline.
Comment: In summary, the available evidence is currently insufficient to determine the role of this variant in disease. Therefore, it has been classified as a Variant of Uncertain Significance. This variant is not present in population databases (gnomAD no frequency). Advanced modeling of protein sequence and biophysical properties (such as structural, functional, and spatial information, amino acid conservation, physicochemical variation, residue mobility, and thermodynamic stability) performed at Invitae indicates that this missense variant is not expected to disrupt ATM protein function. This variant has not been reported in the literature in individuals affected with ATM-related conditions. This sequence change replaces serine, which is neutral and polar, with threonine, which is neutral and polar, at codon 49 of the ATM protein (p.Ser49Thr).

Ambry Genetics
Classification: Uncertain significance for Hereditary cancer-predisposing syndrome. Last evaluated: 2020-12-17. Review status: criteria provided, single submitter. Criteria: Ambry Variant Classification Scheme 2023. Collection method: clinical testing. Allele origin: germline.
Comment: The p.S49T variant (also known as c.145T>A), located in coding exon 2 of the ATM gene, results from a T to A substitution at nucleotide position 145. The serine at codon 49 is replaced by threonine, an amino acid with similar properties. This amino acid position is not well conserved in available vertebrate species. In addition, this alteration is predicted to be tolerated by in silico analysis. Since supporting evidence is limited at this time, the clinical significance of this alteration remains unclear.

NM_000051.4(ATM):c.145T>A (p.Ser49Thr)

Gene: ATM (ATM serine/threonine kinase; plus strand). Cytogenetic location: 11q22.3.
Variant type: single nucleotide variant.
Coding change: c.145T>A on transcript NM_000051.4 (MANE Select); coding-DNA position 145, T replaced by A.
Protein change: p.Ser49Thr; replaces serine 49 with threonine.
Molecular consequence: missense variant.
Genome position (GRCh38, 1-based): chr11:108,227,848, T>A. VCF-style: chr11-108227848-T-A. GRCh37 (hg19) VCF-style: chr11-108098575-T-A.
Other names: c.145T>A, p.Ser49Thr (NM_001351834.2, NM_001351835.2, NM_001351836.2); short protein forms S49T.
Identifiers: ClinVar variation 1507238 (VCV001507238.10), dbSNP rs2135013712, ClinGen allele CA382520147.